The following is an entry in ClinVar:

NM_001267550.2(TTN):c.13408A>T (p.Lys4470Ter)

Gene: TTN (titin; minus strand). Cytogenetic location: 2q31.2.
Variant type: single nucleotide variant.
Coding change: c.13408A>T on transcript NM_001267550.2 (MANE Select); coding-DNA position 13408, A replaced by T.
Protein change: p.Lys4470Ter; replaces lysine 4470 with a stop codon.
Molecular consequence: nonsense. On other transcripts: intron variant (1).
Genome position (GRCh38, 1-based): chr2:178,739,825, T>A on the plus strand (A>T on the coding strand, the complement: TTN is on the minus strand). VCF-style: chr2-178739825-T-A. GRCh37 (hg19) VCF-style: chr2-179604552-T-A.
Other names: c.12457A>T, p.Lys4153Ter (NM_001256850.1); c.12319A>T, p.Lys4107Ter (NM_003319.4); c.12694A>T, p.Lys4232Ter (NM_133432.3); c.12895A>T, p.Lys4299Ter (NM_133437.4); c.10361-1465A>T (NM_133378.4); short protein forms K4232*, K4299*, K4107*, K4470*, K4153*.
Identifiers: ClinVar variation 1464590 (VCV001464590.8), dbSNP rs903809826, ClinGen allele CA349608090.

ClinVar aggregate classification (germline): Likely pathogenic (1 of 4 stars; one submission).

Conditions:
Dilated cardiomyopathy 1G (CMD1G). Identifiers: Orphanet 154, MedGen C1858763, MONDO:0011400, OMIM 604145.
Autosomal recessive limb-girdle muscular dystrophy type 2J (LGMDR10). Also called: Limb-girdle muscular dystrophy, type 2J; MUSCULAR DYSTROPHY, LIMB-GIRDLE, AUTOSOMAL RECESSIVE 10. Identifiers: Orphanet 140922, MedGen C1837342, MONDO:0012127, OMIM 608807.

Submission:

Labcorp Genetics (formerly Invitae), Labcorp
Classification: Likely pathogenic for Dilated cardiomyopathy 1G; Autosomal recessive limb-girdle muscular dystrophy type 2J. Last evaluated: 2025-09-21. Review status: criteria provided, single submitter. Criteria: Invitae Variant Classification Sherloc (09022015). Collection method: clinical testing. Allele origin: germline.
Comment: This sequence change creates a premature translational stop signal (p.Lys4470*) in the TTN gene. While this is not anticipated to result in nonsense mediated decay, it is expected to create a truncated TTN protein. This variant is not present in population databases (gnomAD no frequency). This variant has not been reported in the literature in individuals affected with TTN-related conditions. ClinVar contains an entry for this variant (Variation ID: 1464590). This variant is located in the I band of TTN (PMID: 25589632). Truncating variants in this region have been reported in individuals affected with autosomal recessive centronuclear myopathy (PMID: 23975875, internal data). Truncating variants in this region have also been identified in individuals affected with autosomal dominant dilated cardiomyopathy and/or cardio-related conditions (PMID: 27869827, 32964742, internal data). In summary, the currently available evidence indicates that the variant is pathogenic, but additional data are needed to prove that conclusively. Therefore, this variant has been classified as Likely Pathogenic.

Literature cited by the submitters: PubMed 25589632; PubMed 23975875; PubMed 27869827; PubMed 32964742.